The following is an entry in ClinVar:

ClinVar aggregate classification (germline): Uncertain significance (1 of 4 stars; one submission).

Submission:

Labcorp Genetics (formerly Invitae), Labcorp
Classification: Uncertain significance. Last evaluated: 2022-08-22. Review status: criteria provided, single submitter. Criteria: Invitae Variant Classification Sherloc (09022015). Collection method: clinical testing. Allele origin: germline.
Comment: In summary, the available evidence is currently insufficient to determine the role of this variant in disease. Therefore, it has been classified as a Variant of Uncertain Significance. This sequence change replaces valine, which is neutral and non-polar, with alanine, which is neutral and non-polar, at codon 64 of the ISCU protein (p.Val64Ala). This variant is not present in population databases (gnomAD no frequency). This variant has not been reported in the literature in individuals affected with ISCU-related conditions. Algorithms developed to predict the effect of missense changes on protein structure and function (SIFT, PolyPhen-2, Align-GVGD) all suggest that this variant is likely to be disruptive.

NM_213595.4(ISCU):c.191T>C (p.Val64Ala)

Gene: ISCU (iron-sulfur cluster assembly enzyme; plus strand). Cytogenetic location: 12q23.3.
Variant type: single nucleotide variant.
Coding change: c.191T>C on transcript NM_213595.4 (MANE Select); coding-DNA position 191, T replaced by C.
Protein change: p.Val64Ala; replaces valine 64 with alanine.
Molecular consequence: missense variant. On other transcripts: non-coding transcript variant (1).
Genome position (GRCh38, 1-based): chr12:108,564,355, T>C. VCF-style: chr12-108564355-T-C. GRCh37 (hg19) VCF-style: chr12-108958131-T-C.
Other names: c.191T>C, p.Val64Ala (NM_001301140.1, NM_001301141.1, NM_001320042.1); c.116T>C, p.Val39Ala (NM_014301.4); short protein forms V39A, V64A.
Identifiers: ClinVar variation 2420997 (VCV002420997.6), dbSNP rs2540776652, ClinGen allele CA386430002.
Genomic context (GRCh38, chr12:108,564,355, plus strand): 5'-AAAATCCTAGAAACGTGGGGTCCCTTGACAAGACATCTAAAAATGTTGGAACTGGACTGG[T>C]GGGGGCTCCAGCATGTGGTGACGTAATGAAATTACAGGTATGGCTAGTCTTTTTTAATAG-3'
Protein context (NP_998760.1, residues 54-74): KTSKNVGTGL[Val64Ala]GAPACGDVMK